The following is an entry in ClinVar:

ClinVar aggregate classification (germline): Uncertain significance (1 of 4 stars; one submission).

Conditions:
Neurofibromatosis, type 1 (NF1). Also called: NEUROFIBROMATOSIS, TYPE I, SOMATIC; VON RECKLINGHAUSEN DISEASE; Peripheral type neurofibromatosis; Neurofibromatosis, type I. Identifiers: Orphanet 636, MedGen C0027831, MONDO:0018975, OMIM 162200. Disease mechanism: loss of function.

Submission:

Labcorp Genetics (formerly Invitae), Labcorp
Classification: Uncertain significance for Neurofibromatosis, type 1. Last evaluated: 2023-07-19. Review status: criteria provided, single submitter. Criteria: Invitae Variant Classification Sherloc (09022015). Collection method: clinical testing. Allele origin: germline.
Comment: In summary, the available evidence is currently insufficient to determine the role of this variant in disease. Therefore, it has been classified as a Variant of Uncertain Significance. Advanced modeling of protein sequence and biophysical properties (such as structural, functional, and spatial information, amino acid conservation, physicochemical variation, residue mobility, and thermodynamic stability) has been performed at Invitae for this missense variant, however the output from this modeling did not meet the statistical confidence thresholds required to predict the impact of this variant on NF1 protein function. ClinVar contains an entry for this variant (Variation ID: 1465187). This variant has not been reported in the literature in individuals affected with NF1-related conditions. This variant is not present in population databases (gnomAD no frequency). This sequence change replaces glutamic acid, which is acidic and polar, with lysine, which is basic and polar, at codon 1333 of the NF1 protein (p.Glu1333Lys).

NM_001042492.3(NF1):c.3997G>A (p.Glu1333Lys)

Gene: NF1 (neurofibromin 1; plus strand). Cytogenetic location: 17q11.2.
Variant type: single nucleotide variant.
Coding change: c.3997G>A on transcript NM_001042492.3 (MANE Select); coding-DNA position 3997, G replaced by A.
Protein change: p.Glu1333Lys; replaces glutamic acid 1333 with lysine.
Molecular consequence: missense variant.
Genome position (GRCh38, 1-based): chr17:31,249,006, G>A. VCF-style: chr17-31249006-G-A. GRCh37 (hg19) VCF-style: chr17-29576024-G-A.
Other names: c.3997G>A, p.Glu1333Lys (NM_000267.4); short protein forms E1333K.
Identifiers: ClinVar variation 1465187 (VCV001465187.8), dbSNP rs2151451342, ClinGen allele CA398994853.